The following is an entry in ClinVar:

ClinVar aggregate classification (germline): Uncertain significance (1 of 4 stars; one submission).

Conditions:
Xeroderma pigmentosum, group F (XPF). Also called: XERODERMA PIGMENTOSUM VI; XP, GROUP F; XERODERMA PIGMENTOSUM, COMPLEMENTATION GROUP F; ERCC4-Related Xeroderma Pigmentosum; XERODERMA PIGMENTOSUM, TYPE F; Xeroderma pigmentosum, type 6. Identifiers: MedGen C0268140, MONDO:0010215, OMIM 278760.
Cockayne syndrome. Identifiers: Orphanet 191, MedGen C0009207, MONDO:0016006.
Fanconi anemia complementation group Q. Identifiers: Orphanet 84, MedGen C3808988, MONDO:0014108, OMIM 615272.

Allele frequency attached by ClinVar (database versions not stated): gnomAD exomes below 0.00001.
gnomAD v4.1: 1 of 1,614,198 alleles (0.000062%); highest among the groups gnomAD compares: Non-Finnish European, 0.000085%; no homozygotes.

Submission:

Labcorp Genetics (formerly Invitae), Labcorp
Classification: Uncertain significance for Fanconi anemia complementation group Q; Xeroderma pigmentosum, group F; Cockayne syndrome. Last evaluated: 2022-10-19. Review status: criteria provided, single submitter. Criteria: Invitae Variant Classification Sherloc (09022015). Collection method: clinical testing. Allele origin: germline.
Comment: This sequence change replaces tyrosine, which is neutral and polar, with cysteine, which is neutral and slightly polar, at codon 751 of the ERCC4 protein (p.Tyr751Cys). This variant is not present in population databases (gnomAD no frequency). This variant has not been reported in the literature in individuals affected with ERCC4-related conditions. Advanced modeling of protein sequence and biophysical properties (such as structural, functional, and spatial information, amino acid conservation, physicochemical variation, residue mobility, and thermodynamic stability) has been performed at Invitae for this missense variant, however the output from this modeling did not meet the statistical confidence thresholds required to predict the impact of this variant on ERCC4 protein function. In summary, the available evidence is currently insufficient to determine the role of this variant in disease. Therefore, it has been classified as a Variant of Uncertain Significance.

NM_005236.3(ERCC4):c.2252A>G (p.Tyr751Cys)

Gene: ERCC4 (ERCC excision repair 4, endonuclease catalytic subunit; plus strand). Cytogenetic location: 16p13.12.
Variant type: single nucleotide variant.
Coding change: c.2252A>G on transcript NM_005236.3 (MANE Select); coding-DNA position 2252, A replaced by G.
Protein change: p.Tyr751Cys; replaces tyrosine 751 with cysteine.
Molecular consequence: missense variant.
Genome position (GRCh38, 1-based): chr16:13,947,848, A>G. VCF-style: chr16-13947848-A-G. GRCh37 (hg19) VCF-style: chr16-14041705-A-G.
Other names: short protein forms Y751C.
Identifiers: ClinVar variation 2171834 (VCV002171834.4), dbSNP rs2543195599, ClinGen allele CA394822706.
Genomic context (GRCh38, chr16:13,947,848, plus strand): 5'-ATTTAATCGGCTCTTTAAATAACGGCCGCCTCTACAGCCAGTGCATCTCCATGTCCCGCT[A>G]CTACAAGCGTCCCGTGCTTCTGATTGAGTTTGACCCTAGCAAGCCTTTCTCTCTCACTTC-3'
Protein context (NP_005227.1, residues 741-761): LYSQCISMSR[Tyr751Cys]YKRPVLLIEF